The following is an entry in ClinVar:

ClinVar aggregate classification (germline): Uncertain significance (1 of 4 stars; one submission).

Conditions:
Nemaline myopathy 2 (NEM2). Also called: Nemaline myopathy 2, autosomal recessive. Identifiers: MedGen C1850569, MONDO:0009725, OMIM 256030.

Submission:

Labcorp Genetics (formerly Invitae), Labcorp
Classification: Uncertain significance for Nemaline myopathy 2. Last evaluated: 2021-05-26. Review status: criteria provided, single submitter. Criteria: Invitae Variant Classification Sherloc (09022015). Collection method: clinical testing. Allele origin: germline.
Comment: This sequence change replaces glutamic acid with lysine at codon 2440 of the NEB protein (p.Glu2440Lys). The glutamic acid residue is moderately conserved and there is a small physicochemical difference between glutamic acid and lysine. This variant is not present in population databases (ExAC no frequency). This variant has not been reported in the literature in individuals with NEB-related conditions. Algorithms developed to predict the effect of missense changes on protein structure and function are either unavailable or do not agree on the potential impact of this missense change (SIFT: "Deleterious"; PolyPhen-2: "Not Available"; Align-GVGD: "Class C0"). In summary, the available evidence is currently insufficient to determine the role of this variant in disease. Therefore, it has been classified as a Variant of Uncertain Significance.

NM_001164508.2(NEB):c.7318G>A (p.Glu2440Lys)

Gene: NEB (nebulin; minus strand). Cytogenetic location: 2q23.3.
Variant type: single nucleotide variant.
Coding change: c.7318G>A on transcript NM_001164508.2 (MANE Select); coding-DNA position 7318, G replaced by A.
Protein change: p.Glu2440Lys; replaces glutamic acid 2440 with lysine.
Molecular consequence: missense variant.
Genome position (GRCh38, 1-based): chr2:151,650,289, C>T on the plus strand (G>A on the coding strand, the complement: NEB is on the minus strand). VCF-style: chr2-151650289-C-T. GRCh37 (hg19) VCF-style: chr2-152506803-C-T.
Other names: c.7318G>A, p.Glu2440Lys (NM_001271208.2, NM_004543.5, NM_001164507.2); short protein forms E2440K.
Identifiers: ClinVar variation 1951416 (VCV001951416.2), dbSNP rs2552249691, ClinGen allele CA348788246.